The following is an entry in ClinVar:

NM_177438.3(DICER1):c.2T>C (p.Met1Thr)

Gene: DICER1 (dicer 1, ribonuclease III; minus strand). Cytogenetic location: 14q32.13.
Variant type: single nucleotide variant.
Coding change: c.2T>C on transcript NM_177438.3 (MANE Select); coding-DNA position 2, T replaced by C.
Protein change: p.Met1Thr; changes the start codon (methionine 1).
Molecular consequence: missense variant, initiator codon variant.
Genome position (GRCh38, 1-based): chr14:95,133,457, A>G on the plus strand (T>C on the coding strand, the complement: DICER1 is on the minus strand). VCF-style: chr14-95133457-A-G. GRCh37 (hg19) VCF-style: chr14-95599794-A-G.
Other names: NM_177438.2(DICER1):c.2T>C; p.Met1Thr; c.2T>C, p.Met1Thr (NM_001195573.1, NM_001271282.3, NM_001291628.2 and 1 more transcripts); short protein forms M1T.
Identifiers: ClinVar variation 242076 (VCV000242076.24), dbSNP rs878855254, ClinGen allele CA10583232.

ClinVar aggregate classification (germline): Uncertain significance. Review status: reviewed by expert panel (3 of 4 stars). 4 submissions from 4 submitters: Uncertain significance (1). 3 of the submissions do not count toward it. Last evaluated 2026-11-03.

Conditions:
Hereditary cancer-predisposing syndrome. Also called: Hereditary Cancer Syndrome; Tumor predisposition; Hereditary neoplastic syndrome; Neoplastic Syndromes, Hereditary. Identifiers: Orphanet 140162, MedGen C0027672, MeSH D009386, MONDO:0015356.
DICER1-related tumor predisposition. Also called: DICER1 syndrome; DICER1-related pleuropulmonary blastoma cancer predisposition syndrome. Identifiers: Orphanet 284343, MedGen C3839822, MONDO:0100216.

Allele frequency attached by ClinVar (database versions not stated): TOPMed below 0.00001; gnomAD 0.00001; gnomAD exomes below 0.00001.

Submissions (4):

ClinGen DICER1 and miRNA-Processing Gene Variant Curation Expert Panel, ClinGen
Classification: Uncertain significance for DICER1-related tumor predisposition. Last evaluated: 2026-11-03. Review status: reviewed by expert panel. Criteria: ClinGen DICER1 and miRNA-Processing Gene Expert Panel Specifications to the ACMG/AMP Variant Interpretation Guidelines for DICER1 Version 1.4. Collection method: curation. Allele origin: germline. Inheritance: Autosomal dominant inheritance.
Comment: The NM_177438.2:c.2T>C (p.Met1Thr) variant in DICER1 is predicted to disrupt the translation start site (p.M1?), but downstream start sites are known to exist (PVS1 not met). This variant has been seen in 10 or more unrelated females without tumors through age 50 in at least one testing laboratory (BS2_Supporting; Internal lab contributor). The total allele frequency in gnomAD v4.1.0 is 0.000004962 (8/1612216 alleles) with a highest population minor allele frequency of 0.000006785 (8/1179020 alleles) in European (non-Finnish) population (PM2_Supporting, BS1, and BA1 are not met). In summary, this variant meets the criteria to be classified as Uncertain Significance for DICER1-related tumor predisposition based on the ACMG/AMP criteria applied, as specified by the ClinGen DICER1 VCEP: BS2_Supporting (VCEP specifications version 1.4.0). Based on Tavtigian et al 2020 (PMID:32720330), the total points applied = -1, which equates to a classification of VUS.

Ambry Genetics
Classification: Uncertain significance for Hereditary cancer-predisposing syndrome. Last evaluated: 2026-04-30. Review status: criteria provided, single submitter. Criteria: Ambry Variant Classification Scheme 2023. Collection method: clinical testing. Allele origin: germline. Not counted in ClinVar's aggregate classification.
Comment: The p.M1? variant (also known as c.2T>C) is located in coding exon 1 of the DICER1 gene and results from a T to C substitution at nucleotide position 2. This alters the methionine residue at the initiation codon (ATG). This variant was detected as heterozygous in individual(s) with no reported features of DICER1-related tumor predisposition syndrome (Ambry internal data). Variations that modify the initiation codon (ATG) are expected to result in either loss of translation initiation, N-terminal truncation, or cause a shift in the mRNA reading frame; however, there is an in-frame methionine 10 amino acids from the initiation site, which may result in N-terminal truncation of unknown functional significance. Based on the available evidence, the clinical significance of this variant remains unclear.

Labcorp Genetics (formerly Invitae), Labcorp
Classification: Uncertain significance for DICER1-related tumor predisposition. Last evaluated: 2025-11-05. Review status: criteria provided, single submitter. Criteria: Invitae Variant Classification Sherloc (09022015). Collection method: clinical testing. Allele origin: germline. Not counted in ClinVar's aggregate classification.
Comment: This sequence change affects the initiator codon of the DICER1 mRNA. This change may impact translation initiation or efficiency. The next in-frame methionine is located at codon 11. This variant is present in population databases (no rsID available, gnomAD 0.002%). Disruption of the initiator codon has been observed in individual(s) with hypothyroidism or renal cell carcinoma (PMID: 33630087). ClinVar contains an entry for this variant (Variation ID: 242076). Experimental studies and prediction algorithms are not available or were not evaluated, and the functional significance of this variant is currently unknown. In summary, the available evidence is currently insufficient to determine the role of this variant in disease. Therefore, it has been classified as a Variant of Uncertain Significance.

Sema4
Classification: Uncertain significance for Hereditary cancer-predisposing syndrome. Last evaluated: 2021-11-19. Review status: criteria provided, single submitter. Criteria: Sema4 Curation Guidelines. Collection method: curation. Allele origin: germline. Not counted in ClinVar's aggregate classification.
Comment: The DICER1 c.2T>C (p.M1?) variant has been reported in both healthy biobank participants and participants with hypothyroidism and renal cell carcinoma (PMID: 33630087). It was observed in 2/124634 chromosomes of the Non-Finnish European subpopulation in the large and broad cohorts of the Genome Aggregation Database (PMID: 32461654). The variant has been reported in ClinVar (Variation ID: 242076). The evidence is insufficient to meet ACMG/AMP criteria for classifying the variant as benign or pathogenic. Thus, the clinical significance of this variant is currently uncertain.

Literature cited by the submitters: PubMed 15987463 (cited by Ambry Genetics); PubMed 16095561 (cited by Ambry Genetics); PubMed 18453628 (cited by Ambry Genetics); PubMed 21346072 (cited by Ambry Genetics); PubMed 33630087 (cited by 3 submitters).